The following is an entry in ClinVar:

NM_018012.4(KIF26B):c.447G>C (p.Pro149=)

Genes: KIF26B (kinesin family member 26B; plus strand), LOC129932922 (ATAC-STARR-seq lymphoblastoid silent region 2029; plus strand). Cytogenetic location: 1q44.
Variant type: single nucleotide variant.
Coding change: c.447G>C on transcript NM_018012.4 (MANE Select); coding-DNA position 447, G replaced by C.
Protein change: p.Pro149=; no amino-acid change (proline 149 retained).
Molecular consequence: synonymous variant.
Genome position (GRCh38, 1-based): chr1:245,156,665, G>C. VCF-style: chr1-245156665-G-C. GRCh37 (hg19) VCF-style: chr1-245319967-G-C.
Identifiers: ClinVar variation 3055895 (VCV003055895.2), dbSNP rs576183812, ClinGen allele CA1487396.

ClinVar aggregate classification (germline): Likely benign (0 of 4 stars; one submission).

Conditions:
KIF26B-related disorder. Also called: KIF26B-related condition.

Allele frequency attached by ClinVar (database versions not stated): ExAC 0.00031; 1000 Genomes Project 30x 0.00172; 1000 Genomes Project 0.00180; gnomAD 0.00192; TOPMed 0.00214.
gnomAD v4.1: 498 of 1,501,656 alleles (0.033%); highest among the groups gnomAD compares: African/African-American, 0.63%; 1 homozygote.

Submission:

PreventionGenetics, part of Exact Sciences
Classification: Likely benign for KIF26B-related condition. Last evaluated: 2019-03-20. Review status: no assertion criteria provided. Collection method: clinical testing. Allele origin: germline.
Comment: This variant is classified as likely benign based on ACMG/AMP sequence variant interpretation guidelines (Richards et al. 2015 PMID: 25741868, with internal and published modifications).